The following is an entry in ClinVar:

NM_004408.4(DNM1):c.2423C>T (p.Ala808Val)

Genes: DNM1 (dynamin 1; plus strand), LOC130002699 (ATAC-STARR-seq lymphoblastoid silent region 20333; plus strand). Cytogenetic location: 9q34.11.
Variant type: single nucleotide variant.
Coding change: c.2423C>T on transcript NM_004408.4 (MANE Select); coding-DNA position 2423, C replaced by T.
Protein change: p.Ala808Val; replaces alanine 808 with valine.
Molecular consequence: missense variant.
Genome position (GRCh38, 1-based): chr9:128,250,829, C>T. VCF-style: chr9-128250829-C-T. GRCh37 (hg19) VCF-style: chr9-131013108-C-T.
Other names: c.2423C>T, p.Ala808Val (NM_001005336.3, NM_001288737.2, NM_001288738.2 and 2 more transcripts); short protein forms A808V.
Identifiers: ClinVar variation 933859 (VCV000933859.11), dbSNP rs1474835177, ClinGen allele CA375001731.
Genomic context (GRCh38, chr9:128,250,829, plus strand): 5'-TGCCCCCAGCCCGGCCCGGGTCGCGGGGCCCTGCTCCTGGGCCTCCGCCTGCTGGGTCCG[C>T]CCTGGGGGGGGCGCCCCCCGTGCCCTCCAGGCCGGGGGCTTCCCCTGACCCTTTCGGCCC-3'
Protein context (NP_004399.2, residues 798-818): PAPGPPPAGS[Ala808Val]LGGAPPVPSR

ClinVar aggregate classification (germline): Uncertain significance. Review status: criteria provided, multiple submitters, no conflicts (2 of 4 stars). 2 submissions from 2 submitters: Uncertain significance (2). Last evaluated 2026-02-27.

Conditions:
Developmental and epileptic encephalopathy, 31A. Also called: Epileptic encephalopathy, early infantile, 31; Developmental and epileptic encephalopathy, 31. Identifiers: Orphanet 2382, MedGen C4225357, MONDO:0014598, OMIM 616346.

Allele frequency attached by ClinVar (database versions not stated): gnomAD exomes below 0.00001; gnomAD 0.00001; TOPMed 0.00001.
gnomAD v4.1: 7 of 1,313,778 alleles (0.00053%); highest among the groups gnomAD compares: Non-Finnish European, 0.00067%; no homozygotes.

Submissions (2):

Women's Health and Genetics/Laboratory Corporation of America, LabCorp
Classification: Uncertain significance. Last evaluated: 2026-02-27. Review status: criteria provided, single submitter. Criteria: LabCorp Variant Classification Summary - May 2015. Collection method: clinical testing. Allele origin: germline.
Comment: Variant summary: DNM1 c.2423C>T (p.Ala808Val) results in a non-conservative amino acid change in the encoded protein sequence. Algorithms developed to predict the effect of missense changes on protein structure and function are either unavailable or do not agree on the potential impact of this missense change. The variant was absent in 2524 control chromosomes. The available data on variant occurrences in the general population are insufficient to allow any conclusion about variant significance. To our knowledge, no occurrence of c.2423C>T in individuals affected with DNM1-related conditions and no experimental evidence demonstrating its impact on protein function have been reported. ClinVar contains an entry for this variant (Variation ID: 933859). Based on the evidence outlined above, the variant was classified as uncertain significance.

Labcorp Genetics (formerly Invitae), Labcorp
Classification: Uncertain significance for Developmental and epileptic encephalopathy, 31A. Last evaluated: 2023-09-05. Review status: criteria provided, single submitter. Criteria: Invitae Variant Classification Sherloc (09022015). Collection method: clinical testing. Allele origin: germline.
Comment: In summary, the available evidence is currently insufficient to determine the role of this variant in disease. Therefore, it has been classified as a Variant of Uncertain Significance. Advanced modeling of protein sequence and biophysical properties (such as structural, functional, and spatial information, amino acid conservation, physicochemical variation, residue mobility, and thermodynamic stability) performed at Invitae indicates that this missense variant is not expected to disrupt DNM1 protein function. ClinVar contains an entry for this variant (Variation ID: 933859). This variant has not been reported in the literature in individuals affected with DNM1-related conditions. This variant is not present in population databases (gnomAD no frequency). This sequence change replaces alanine, which is neutral and non-polar, with valine, which is neutral and non-polar, at codon 808 of the DNM1 protein (p.Ala808Val).